The following is an entry in ClinVar:

NM_001278512.2(AP3B2):c.1783C>T (p.Leu595Phe)

Genes: AP3B2 (adaptor related protein complex 3 subunit beta 2; minus strand), CPEB1-AS1 (CPEB1 antisense RNA 1; plus strand). Cytogenetic location: 15q25.2.
Variant type: single nucleotide variant.
Coding change: c.1783C>T on transcript NM_001278512.2 (MANE Select); coding-DNA position 1783, C replaced by T.
Protein change: p.Leu595Phe; replaces leucine 595 with phenylalanine.
Molecular consequence: missense variant.
Genome position (GRCh38, 1-based): chr15:82,666,816, G>A on the plus strand (C>T on the coding strand, the complement: AP3B2 is on the minus strand). VCF-style: chr15-82666816-G-A. GRCh37 (hg19) VCF-style: chr15-83335568-G-A.
Other names: c.1687C>T, p.Leu563Phe (NM_001278511.2); c.1783C>T, p.Leu595Phe (NM_004644.5); c.1783C>T (NM_004644.3); short protein forms L595F, L563F.
Identifiers: ClinVar variation 1430613 (VCV001430613.7), dbSNP rs747568488, ClinGen allele CA7700115.

ClinVar aggregate classification (germline): Uncertain significance. Review status: criteria provided, multiple submitters, no conflicts (2 of 4 stars). 3 submissions from 3 submitters: Uncertain significance (3). Last evaluated 2024-11-27.

Conditions:
Inborn genetic diseases. Identifiers: MedGen C0950123, MeSH D030342.

Allele frequency attached by ClinVar (database versions not stated): gnomAD 0.00001 and 0.00003; TOPMed 0.00001; gnomAD exomes 0.00003; ExAC 0.00004.
gnomAD v4.1: 38 of 1,613,886 alleles (0.0024%); highest among the groups gnomAD compares: Middle Eastern, 0.049%; no homozygotes.

Submissions (3):

Blueprint Genetics
Classification: Uncertain significance. Last evaluated: 2024-11-27. Review status: criteria provided, single submitter. Criteria: ACMG Guidelines, 2015. Collection method: clinical testing. Allele origin: germline.

Labcorp Genetics (formerly Invitae), Labcorp
Classification: Uncertain significance. Last evaluated: 2022-08-23. Review status: criteria provided, single submitter. Criteria: Invitae Variant Classification Sherloc (09022015). Collection method: clinical testing. Allele origin: germline.
Comment: This sequence change replaces leucine, which is neutral and non-polar, with phenylalanine, which is neutral and non-polar, at codon 595 of the AP3B2 protein (p.Leu595Phe). This variant is present in population databases (rs747568488, gnomAD 0.006%). This variant has not been reported in the literature in individuals affected with AP3B2-related conditions. ClinVar contains an entry for this variant (Variation ID: 1430613). Algorithms developed to predict the effect of missense changes on protein structure and function are either unavailable or do not agree on the potential impact of this missense change (SIFT: "Deleterious"; PolyPhen-2: "Benign"; Align-GVGD: "Class C0"). In summary, the available evidence is currently insufficient to determine the role of this variant in disease. Therefore, it has been classified as a Variant of Uncertain Significance.

Ambry Genetics
Classification: Uncertain significance for Inborn genetic diseases. Last evaluated: 2020-11-20. Review status: criteria provided, single submitter. Criteria: Ambry Variant Classification Scheme 2023. Collection method: clinical testing. Allele origin: germline.
Comment: The c.1783C>T (p.L595F) alteration is located in exon 15 (coding exon 15) of the AP3B2 gene. This alteration results from a C to T substitution at nucleotide position 1783, causing the leucine (L) at amino acid position 595 to be replaced by a phenylalanine (F). Based on data from the Genome Aggregation Database (gnomAD) database, the AP3B2 c.1783C>T alteration was observed in 0.003% (9/280342) of total alleles studied, with a frequency of 0.01% (1/7140) in the Other subpopulation. This amino acid position is highly conserved in available vertebrate species. The p.L595F alteration is predicted to be tolerated by in silico analysis. Based on insufficient or conflicting evidence, the clinical significance of this alteration remains unclear.